The following is an entry in ClinVar:

NM_000834.5(GRIN2B):c.706G>T (p.Glu236Ter)

Gene: GRIN2B (glutamate ionotropic receptor NMDA type subunit 2B; minus strand). Cytogenetic location: 12p13.1.
Variant type: single nucleotide variant.
Coding change: c.706G>T on transcript NM_000834.5 (MANE Select); coding-DNA position 706, G replaced by T.
Protein change: p.Glu236Ter; replaces glutamic acid 236 with a stop codon.
Molecular consequence: nonsense.
Genome position (GRCh38, 1-based): chr12:13,753,621, C>A on the plus strand (G>T on the coding strand, the complement: GRIN2B is on the minus strand). VCF-style: chr12-13753621-C-A. GRCh37 (hg19) VCF-style: chr12-13906555-C-A.
Other names: short protein forms E236*.
Identifiers: ClinVar variation 523893 (VCV000523893.4), dbSNP rs1555133077, ClinGen allele CA384053785.
Genomic context (GRCh38, chr12:13,753,621, plus strand): 5'-ACGTGTAGCCATAGCCAGTCAGCCCTACTGAGTTGGCCACTTCAAAGATGTAGGTGGCTT[C>A]TTCCTTGGTACAGTAAAGAAGAATGATGGGGCTTTGAAGTTTCTTGAGCTGATTCTGGAT-3'

ClinVar aggregate classification (germline): Pathogenic (1 of 4 stars; one submission).

Conditions:
Complex neurodevelopmental disorder. Identifiers: Orphanet 528084, MedGen C5568766, MONDO:0100038.

Submission:

GeneDx
Classification: Pathogenic. Last evaluated: 2018-04-16. Review status: criteria provided, single submitter. Criteria: GeneDx Variant Classification (06012015). Collection method: clinical testing. Allele origin: germline. Affected: yes.
Comment: The E236X variant in the GRIN2B gene has not been reported previously as a pathogenic variant nor as a benign variant, to our knowledge. This variant is predicted to cause loss of normal protein function either through protein truncation or nonsense-mediated mRNA decay. The E236X variant is not observed in large population cohorts (Lek et al., 2016). We interpret E236X as a pathogenic variant.